The following is an entry in ClinVar:

NM_194248.3(OTOF):c.4961-2A>C

Gene: OTOF (otoferlin; minus strand). Cytogenetic location: 2p23.3.
Variant type: single nucleotide variant.
Coding change: c.4961-2A>C on transcript NM_194248.3 (MANE Select); the canonical splice acceptor site of the intron before coding-DNA position 4961, A replaced by C.
Molecular consequence: splice acceptor variant.
Genome position (GRCh38, 1-based): chr2:26,464,108, T>G on the plus strand (A>C on the coding strand, the complement: OTOF is on the minus strand). VCF-style: chr2-26464108-T-G. GRCh37 (hg19) VCF-style: chr2-26686976-T-G.
Other names: c.4961-2A>C (NM_001287489.2); c.2660-2A>C (NM_194323.3, NM_004802.4); c.2891-2A>C (NM_194322.3).
Identifiers: ClinVar variation 4879930 (VCV004879930.1).

ClinVar aggregate classification (germline): Pathogenic (0 of 4 stars; one submission).

Conditions:
Autosomal recessive nonsyndromic hearing loss 9. Also called: NEUROSENSORY NONSYNDROMIC RECESSIVE DEAFNESS 9; OTOF-Related Hearing Loss; Deafness, autosomal recessive 9; AUDITORY NEUROPATHY, AUTOSOMAL RECESSIVE, 1, TEMPERATURE-SENSITIVE. Identifiers: Orphanet 90636, MedGen C1832828, MONDO:0010986, OMIM 601071.

Submission:

Diagnosis and Treatment Center of Genetic Hearing Loss, Eye & ENT Hospital of Fudan University
Classification: Pathogenic for Autosomal recessive nonsyndromic hearing loss 9. Last evaluated: 2026-02-04. Review status: no assertion criteria provided. Collection method: clinical testing. Allele origin: germline. Inheritance: Autosomal recessive inheritance. Affected: yes.
Comment: The c.4961-2A>C splice acceptor variant in OTOF is predicted to disrupt splicing (PVS1). It is absent from population databases (PM2_Supporting). It was detected in trans with likely pathogenic c.5567G>A (c.[5567G>A];[4961-2A>C]) (PM3). The phenotype is consistent with auditory neuropathy (PP4).